The following is an entry in ClinVar:

NM_206933.4(USH2A):c.15125G>C (p.Trp5042Ser)

Gene: USH2A (usherin; minus strand). Cytogenetic location: 1q41.
Variant type: single nucleotide variant.
Coding change: c.15125G>C on transcript NM_206933.4 (MANE Select); coding-DNA position 15125, G replaced by C.
Protein change: p.Trp5042Ser; replaces tryptophan 5042 with serine.
Molecular consequence: missense variant.
Genome position (GRCh38, 1-based): chr1:215,634,631, C>G on the plus strand (G>C on the coding strand, the complement: USH2A is on the minus strand). VCF-style: chr1-215634631-C-G. GRCh37 (hg19) VCF-style: chr1-215807973-C-G.
Other names: short protein forms W5042S.
Identifiers: ClinVar variation 1503428 (VCV001503428.3), dbSNP rs2102630643, ClinGen allele CA344824336.

ClinVar aggregate classification (germline): Uncertain significance (1 of 4 stars; one submission).

Allele frequency attached by ClinVar (database versions not stated): gnomAD exomes 0.00001.
gnomAD v4.1: 13 of 1,614,202 alleles (0.00081%); highest among the groups gnomAD compares: Non-Finnish European, 0.001%; no homozygotes.

Submission:

Labcorp Genetics (formerly Invitae), Labcorp
Classification: Uncertain significance. Last evaluated: 2021-08-07. Review status: criteria provided, single submitter. Criteria: Invitae Variant Classification Sherloc (09022015). Collection method: clinical testing. Allele origin: germline.
Comment: This sequence change replaces tryptophan with serine at codon 5042 of the USH2A protein (p.Trp5042Ser). The tryptophan residue is highly conserved and there is a large physicochemical difference between tryptophan and serine. This variant is not present in population databases (ExAC no frequency). This variant has not been reported in the literature in individuals affected with USH2A-related conditions. Algorithms developed to predict the effect of missense changes on protein structure and function are either unavailable or do not agree on the potential impact of this missense change (SIFT: "Deleterious"; PolyPhen-2: "Probably Damaging"; Align-GVGD: "Class C0"). In summary, the available evidence is currently insufficient to determine the role of this variant in disease. Therefore, it has been classified as a Variant of Uncertain Significance.